The following is an entry in ClinVar:

NM_002241.5(KCNJ10):c.459C>T (p.Leu153=)

Gene: KCNJ10 (potassium inwardly rectifying channel subfamily J member 10; minus strand). Cytogenetic location: 1q23.2.
Variant type: single nucleotide variant.
Coding change: c.459C>T on transcript NM_002241.5 (MANE Select); coding-DNA position 459, C replaced by T.
Protein change: p.Leu153=; no amino-acid change (leucine 153 retained).
Molecular consequence: synonymous variant.
Genome position (GRCh38, 1-based): chr1:160,042,074, G>A on the plus strand (C>T on the coding strand, the complement: KCNJ10 is on the minus strand). VCF-style: chr1-160042074-G-A. GRCh37 (hg19) VCF-style: chr1-160011864-G-A.
Identifiers: ClinVar variation 1094421 (VCV001094421.33), dbSNP rs1467302352, ClinGen allele CA421597270.

ClinVar aggregate classification (germline): Likely benign. Review status: criteria provided, multiple submitters, no conflicts (2 of 4 stars). 2 submissions from 2 submitters: Likely benign (2). Last evaluated 2024-10-26.

Conditions:
EAST syndrome (SESAMES). Also called: SEIZURES, SENSORINEURAL DEAFNESS, ATAXIA, IMPAIRED INTELLECTUAL DEVELOPMENT, AND ELECTROLYTE IMBALANCE. Identifiers: Orphanet 199343, MedGen C2748572, MONDO:0013005, OMIM 612780.

Submissions (2):

Labcorp Genetics (formerly Invitae), Labcorp
Classification: Likely benign for EAST syndrome. Last evaluated: 2024-10-26. Review status: criteria provided, single submitter. Criteria: Invitae Variant Classification Sherloc (09022015). Collection method: clinical testing. Allele origin: germline.

CeGaT Center for Human Genetics Tuebingen
Classification: Likely benign. Last evaluated: 2022-09-01. Review status: criteria provided, single submitter. Criteria: CeGaT Center For Human Genetics Tuebingen Variant Classification Criteria Version 2. Collection method: clinical testing. Allele origin: germline. Affected: yes. Observed: 1 variant allele.
Comment: KCNJ10: BP4, BP7